The following is an entry in ClinVar:

NM_001079872.2(CUL4B):c.926T>C (p.Met309Thr)

Gene: CUL4B (cullin 4B; minus strand). Cytogenetic location: Xq24.
Variant type: single nucleotide variant.
Coding change: c.926T>C on transcript NM_001079872.2 (MANE Select); coding-DNA position 926, T replaced by C.
Protein change: p.Met309Thr; replaces methionine 309 with threonine.
Molecular consequence: missense variant.
Genome position (GRCh38, 1-based): chrX:120,544,638, A>G on the plus strand (T>C on the coding strand, the complement: CUL4B is on the minus strand). VCF-style: chrX-120544638-A-G. GRCh37 (hg19) VCF-style: chrX-119678493-A-G.
Other names: c.941T>C, p.Met314Thr (NM_001330624.2); c.392T>C, p.Met131Thr (NM_001369145.1); c.980T>C, p.Met327Thr (NM_003588.4); c.980T>C (NM_003588.3); short protein forms M314T, M131T, M309T, M327T.
Identifiers: ClinVar variation 3667084 (VCV003667084.4).

ClinVar aggregate classification (germline): Uncertain significance. Review status: criteria provided, multiple submitters, no conflicts (2 of 4 stars). 3 submissions from 3 submitters: Uncertain significance (3). Last evaluated 2026-08-04.

Conditions:
X-linked intellectual disability Cabezas type (MRXSC). Also called: Intellectual developmental disorder, X-linked syndromic, Cabezas type; CABEZAS SYNDROME; MENTAL RETARDATION, X-LINKED, SYNDROMIC 15. Identifiers: Orphanet 85289, Orphanet 85293, MedGen C1845861, MONDO:0010306, OMIM 300354.
CUL4B-related disorder. Also called: CUL4B-related condition.

gnomAD v4.1: 10 of 1,202,456 alleles (0.00083%); highest among the groups gnomAD compares: Non-Finnish European, 0.0011%; no homozygotes.

Submissions (3):

PreventionGenetics, part of Exact Sciences
Classification: Uncertain significance for CUL4B-related condition. Last evaluated: 2026-08-04. Review status: criteria provided, single submitter. Criteria: ACMG Guidelines, 2015. Collection method: clinical testing. Allele origin: germline.
Comment: The CUL4B c.980T>C variant is predicted to result in the amino acid substitution p.Met327Thr. To our knowledge, this variant has not been reported in the literature. This variant is reported in 0.0022% of alleles in individuals of European (Non-Finnish) descent in gnomAD, including 3 hemizygotes in the gnomAD v.4.1.0 database. Although we suspect that this variant may be benign, at this time, the clinical significance of this variant is uncertain due to the absence of conclusive functional and genetic evidence.

Labcorp Genetics (formerly Invitae), Labcorp
Classification: Uncertain significance for X-linked intellectual disability Cabezas type. Last evaluated: 2024-05-06. Review status: criteria provided, single submitter. Criteria: Invitae Variant Classification Sherloc (09022015). Collection method: clinical testing. Allele origin: germline.
Comment: This sequence change replaces methionine, which is neutral and non-polar, with threonine, which is neutral and polar, at codon 327 of the CUL4B protein (p.Met327Thr). This variant is present in population databases (rs61754550, gnomAD 0.002%). This variant has not been reported in the literature in individuals affected with CUL4B-related conditions. Advanced modeling of protein sequence and biophysical properties (such as structural, functional, and spatial information, amino acid conservation, physicochemical variation, residue mobility, and thermodynamic stability) performed at Invitae indicates that this missense variant is not expected to disrupt CUL4B protein function with a negative predictive value of 80%. In summary, the available evidence is currently insufficient to determine the role of this variant in disease. Therefore, it has been classified as a Variant of Uncertain Significance.

Blueprint Genetics
Classification: Uncertain significance. Last evaluated: 2024-04-08. Review status: criteria provided, single submitter. Criteria: ACMG Guidelines, 2015. Collection method: clinical testing. Allele origin: germline.